The following is an entry in ClinVar:

NM_001134407.3(GRIN2A):c.1314G>T (p.Lys438Asn)

Gene: GRIN2A (glutamate ionotropic receptor NMDA type subunit 2A; minus strand). Cytogenetic location: 16p13.2.
Variant type: single nucleotide variant.
Coding change: c.1314G>T on transcript NM_001134407.3 (MANE Select); coding-DNA position 1314, G replaced by T.
Protein change: p.Lys438Asn; replaces lysine 438 with asparagine.
Molecular consequence: missense variant.
Genome position (GRCh38, 1-based): chr16:9,849,770, C>A on the plus strand (G>T on the coding strand, the complement: GRIN2A is on the minus strand). VCF-style: chr16-9849770-C-A. GRCh37 (hg19) VCF-style: chr16-9943627-C-A.
Other names: c.1314G>T, p.Lys438Asn (NM_000833.5, NM_001134408.2); short protein forms K438N.
Identifiers: ClinVar variation 1305266 (VCV001305266.2), dbSNP rs781270566, ClinGen allele CA7896759.

ClinVar aggregate classification (germline): Uncertain significance (1 of 4 stars; one submission).

gnomAD v4.1: 1 of 1,613,992 alleles (0.000062%); highest among the groups gnomAD compares: Non-Finnish European, 0.000085%; no homozygotes.

Submission:

GeneDx
Classification: Uncertain significance. Last evaluated: 2019-04-20. Review status: criteria provided, single submitter. Criteria: GeneDx Variant Classification Process June 2021. Collection method: clinical testing. Allele origin: germline. Affected: yes.
Comment: Not observed in large population cohorts (Lek et al., 2016); In silico analysis, which includes protein predictors and evolutionary conservation, supports a deleterious effect; Has not been previously published as pathogenic or benign to our knowledge